The following is an entry in ClinVar:

ClinVar aggregate classification (germline): Uncertain significance (1 of 4 stars; one submission).

Conditions:
Congenital muscular hypertrophy-cerebral syndrome (CDLS2). Also called: SMC1A-Related Cornelia de Lange Syndrome; Cornelia de Lange syndrome 2. Identifiers: Orphanet 199, MedGen C1802395, MONDO:0010370, OMIM 300590.

Submission:

Labcorp Genetics (formerly Invitae), Labcorp
Classification: Uncertain significance for Congenital muscular hypertrophy-cerebral syndrome. Last evaluated: 2022-07-20. Review status: criteria provided, single submitter. Criteria: Invitae Variant Classification Sherloc (09022015). Collection method: clinical testing. Allele origin: germline.
Comment: This sequence change replaces aspartic acid, which is acidic and polar, with glycine, which is neutral and non-polar, at codon 764 of the SMC1A protein (p.Asp764Gly). This variant is not present in population databases (gnomAD no frequency). In summary, the available evidence is currently insufficient to determine the role of this variant in disease. Therefore, it has been classified as a Variant of Uncertain Significance. Advanced modeling of protein sequence and biophysical properties (such as structural, functional, and spatial information, amino acid conservation, physicochemical variation, residue mobility, and thermodynamic stability) performed at Invitae indicates that this missense variant is not expected to disrupt SMC1A protein function. This variant has not been reported in the literature in individuals affected with SMC1A-related conditions.

NM_006306.4(SMC1A):c.2291A>G (p.Asp764Gly)

Gene: SMC1A (structural maintenance of chromosomes 1A; minus strand). Cytogenetic location: Xp11.22.
Variant type: single nucleotide variant.
Coding change: c.2291A>G on transcript NM_006306.4 (MANE Select); coding-DNA position 2291, A replaced by G.
Protein change: p.Asp764Gly; replaces aspartic acid 764 with glycine.
Molecular consequence: missense variant.
Genome position (GRCh38, 1-based): chrX:53,403,799, T>C on the plus strand (A>G on the coding strand, the complement: SMC1A is on the minus strand). VCF-style: chrX-53403799-T-C. GRCh37 (hg19) VCF-style: chrX-53430731-T-C.
Other names: c.2225A>G, p.Asp742Gly (NM_001281463.1); short protein forms D742G, D764G.
Identifiers: ClinVar variation 1720939 (VCV001720939.5), dbSNP rs2520920832, ClinGen allele CA413251212.
Genomic context (GRCh38, chrX:53,403,799, plus strand): 5'-CCTGACACACACGCTGGCATGGCCCACACCCTACCAACCTGGTTCATCTTCTCCTTCAAG[T>C]CTTTCATTTCCCTCTCTCGGCTCTGAATGATCCTCTTGATATCATTAATGCGAGGCCCAA-3'
Protein context (NP_006297.2, residues 754-774): IIQSREREMK[Asp764Gly]LKEKMNQVED